The following is an entry in ClinVar:

NM_004646.4(NPHS1):c.1928T>C (p.Leu643Pro)

Gene: NPHS1 (NPHS1 adhesion molecule, nephrin; minus strand). Cytogenetic location: 19q13.12.
Variant type: single nucleotide variant.
Coding change: c.1928T>C on transcript NM_004646.4 (MANE Select); coding-DNA position 1928, T replaced by C.
Protein change: p.Leu643Pro; replaces leucine 643 with proline.
Molecular consequence: missense variant.
Genome position (GRCh38, 1-based): chr19:35,845,370, A>G on the plus strand (T>C on the coding strand, the complement: NPHS1 is on the minus strand). VCF-style: chr19-35845370-A-G. GRCh37 (hg19) VCF-style: chr19-36336272-A-G.
Other names: short protein forms L643P.
Identifiers: ClinVar variation 56456 (VCV000056456.4), dbSNP rs386833898, ClinGen allele CA250155.

ClinVar aggregate classification (germline): Pathogenic/Likely pathogenic. Review status: no assertion criteria provided (0 of 4 stars). 2 submissions from 2 submitters: Pathogenic (1); Likely pathogenic (1).

Conditions:
Finnish congenital nephrotic syndrome (NPHS1). Also called: NEPHROTIC SYNDROME, TYPE 1. Identifiers: Orphanet 839, MedGen C0403399, MONDO:0009732, OMIM 256300.
Congenital nephrotic syndrome. Also called: Familial nephrotic syndrome. Identifiers: MedGen C3501848, MeSH C535761, MONDO:0002350, HP:0008677.

gnomAD v4.1: 1 of 1,614,236 alleles (0.000062%); highest among the groups gnomAD compares: South Asian, 0.0011%; no homozygotes.

Submissions (2):

Juha Muilu Group; Institute for Molecular Medicine Finland (FIMM)
Classification: Likely pathogenic for Finnish congenital nephrotic syndrome. Review status: no assertion criteria provided. Collection method: not provided. Allele origin: unknown.
Comment: FinDis database variant: This variant was not found or characterized by our laboratory, data were collected from public sources: see reference
ClinVar note: Converted during submission from probable-pathogenic to Likely pathogenic.

NIHR Bioresource Rare Diseases, University of Cambridge
Classification: Pathogenic for Congenital nephrotic syndrome. Review status: no assertion criteria provided. Collection method: research. Allele origin: unknown. Affected: yes. Observed: 1 variant allele.

Literature cited by the submitters: PubMed 32581362 (cited by NIHR Bioresource Rare Diseases, University of Cambridge).